The following is an entry in ClinVar:

ClinVar aggregate classification (germline): Uncertain significance. Review status: criteria provided, multiple submitters, no conflicts (2 of 4 stars). 2 submissions from 2 submitters: Uncertain significance (2). Last evaluated 2025-01-02.

Conditions:
Inborn genetic diseases. Identifiers: MedGen C0950123, MeSH D030342.

Allele frequency attached by ClinVar (database versions not stated): gnomAD exomes below 0.00001.

Submissions (2):

Women's Health and Genetics/Laboratory Corporation of America, LabCorp
Classification: Uncertain significance. Last evaluated: 2025-01-02. Review status: criteria provided, single submitter. Criteria: LabCorp Variant Classification Summary - May 2015. Collection method: clinical testing. Allele origin: germline.
Comment: Variant summary: SETD1A c.2614A>T (p.Thr872Ser) results in a conservative amino acid change in the encoded protein sequence. Four of five in-silico tools predict a benign effect of the variant on protein function. The frequency data for this variant in gnomAD is considered unreliable, as metrics indicate poor data quality at this position. To our knowledge, no occurrence of c.2614A>T in individuals affected with Neurodevelopmental Disorder With Speech Impairment And Dysmorphic Facies and no experimental evidence demonstrating its impact on protein function have been reported. ClinVar contains an entry for this variant (Variation ID: 2395416). Based on the evidence outlined above, the variant was classified as uncertain significance.

Ambry Genetics
Classification: Uncertain significance for Inborn genetic diseases. Last evaluated: 2022-08-01. Review status: criteria provided, single submitter. Criteria: Ambry Variant Classification Scheme 2023. Collection method: clinical testing. Allele origin: germline.

NM_014712.3(SETD1A):c.2614A>T (p.Thr872Ser)

Gene: SETD1A (SET domain containing 1A, histone lysine methyltransferase; plus strand). Cytogenetic location: 16p11.2.
Variant type: single nucleotide variant.
Coding change: c.2614A>T on transcript NM_014712.3 (MANE Select); coding-DNA position 2614, A replaced by T.
Protein change: p.Thr872Ser; replaces threonine 872 with serine.
Molecular consequence: missense variant.
Genome position (GRCh38, 1-based): chr16:30,966,992, A>T. VCF-style: chr16-30966992-A-T. GRCh37 (hg19) VCF-style: chr16-30978313-A-T.
Other names: short protein forms T872S.
Identifiers: ClinVar variation 2395416 (VCV002395416.4), dbSNP rs1464954432, ClinGen allele CA395620705.
Genomic context (GRCh38, chr16:30,966,992, plus strand): 5'-AAGACGAAGCTGAAGGAGCCTGGCCTGCTGTCCCTCGTGGACTGGGCCAAGAGCGGGGGC[A>T]CTACGGGCATCGAGGCTTTCGCCTTTGGGTCAGGGCTGAGAGGGGCCCTGCGGCTGCCTT-3'
Protein context (NP_055527.1, residues 862-882): SLVDWAKSGG[Thr872Ser]TGIEAFAFGS